The following is an entry in ClinVar:

ClinVar aggregate classification (germline): Likely benign (1 of 4 stars; one submission).

Conditions:
BBS9-related disorder. Also called: BBS9-related condition.

gnomAD v4.1: 1 of 1,603,000 alleles (0.000062%); highest among the groups gnomAD compares: African/African-American, 0.0013%; no homozygotes.

Submission:

PreventionGenetics, part of Exact Sciences
Classification: Likely benign for BBS9-related condition. Last evaluated: 2025-01-19. Review status: criteria provided, single submitter. Criteria: ACMG Guidelines, 2015. Collection method: clinical testing. Allele origin: germline.
Comment: This variant is classified as likely benign based on ACMG/AMP sequence variant interpretation guidelines (Richards et al. 2015 PMID: 25741868, with internal and published modifications).

NM_198428.3(BBS9):c.2523T>C (p.Gly841=)

Gene: BBS9 (Bardet-Biedl syndrome 9; plus strand). Cytogenetic location: 7p14.3.
Variant type: single nucleotide variant.
Coding change: c.2523T>C on transcript NM_198428.3 (MANE Select); coding-DNA position 2523, T replaced by C.
Protein change: p.Gly841=; no amino-acid change (glycine 841 retained).
Molecular consequence: synonymous variant. On other transcripts: non-coding transcript variant (3), intron variant (1).
Genome position (GRCh38, 1-based): chr7:33,604,866, T>C. VCF-style: chr7-33604866-T-C. GRCh37 (hg19) VCF-style: chr7-33644478-T-C.
Other names: c.2418T>C, p.Gly806= (NM_001033604.2); c.2508T>C, p.Gly836= (NM_001033605.2); c.2523T>C, p.Gly841= (NM_001348036.1, NM_001348041.4, NM_001348043.3); c.1974T>C, p.Gly658= (NM_001348037.3); c.2250T>C, p.Gly750= (NM_001348038.3); c.2145T>C, p.Gly715= (NM_001348039.3); c.2403T>C, p.Gly801= (NM_001348040.3, NM_014451.4); c.2388T>C, p.Gly796= (NM_001348042.3); and 3 more.
Identifiers: ClinVar variation 5000731 (VCV005000731.1).